The following is an entry in ClinVar:

ClinVar aggregate classification (germline): Likely pathogenic (1 of 4 stars; one submission).

Conditions:
Combined immunodeficiency due to LRBA deficiency. Also called: Common variable immunodeficiency 8, with autoimmunity. Identifiers: Orphanet 445018, MedGen C3553512, MONDO:0013863, OMIM 614700.

Submission:

Labcorp Genetics (formerly Invitae), Labcorp
Classification: Likely pathogenic for Combined immunodeficiency due to LRBA deficiency. Last evaluated: 2023-06-16. Review status: criteria provided, single submitter. Criteria: Invitae Variant Classification Sherloc (09022015). Collection method: clinical testing. Allele origin: germline.
Comment: This sequence change affects a donor splice site in intron 43 of the LRBA gene. It is expected to disrupt RNA splicing. Variants that disrupt the donor or acceptor splice site typically lead to a loss of protein function (PMID: 16199547), and loss-of-function variants in LRBA are known to be pathogenic (PMID: 26206937, 26768763). This variant is not present in population databases (gnomAD no frequency). This variant has not been reported in the literature in individuals affected with LRBA-related conditions. Algorithms developed to predict the effect of sequence changes on RNA splicing suggest that this variant may disrupt the consensus splice site. In summary, the currently available evidence indicates that the variant is pathogenic, but additional data are needed to prove that conclusively. Therefore, this variant has been classified as Likely Pathogenic.

Literature cited by the submitters: PubMed 16199547; PubMed 26206937; PubMed 26768763.

NM_001364905.1(LRBA):c.6551+1G>T

Gene: LRBA (LPS responsive beige-like anchor protein; minus strand). Cytogenetic location: 4q31.3.
Variant type: single nucleotide variant.
Coding change: c.6551+1G>T on transcript NM_001364905.1 (MANE Select); the canonical splice donor site of the intron after coding-DNA position 6551, G replaced by T.
Molecular consequence: splice donor variant.
Genome position (GRCh38, 1-based): chr4:150,487,731, C>A on the plus strand (G>T on the coding strand, the complement: LRBA is on the minus strand). VCF-style: chr4-150487731-C-A. GRCh37 (hg19) VCF-style: chr4-151408883-C-A.
Other names: c.6551+1G>T (NM_001367550.1, NM_001199282.3, NM_001440431.1); c.6584+1G>T (NM_006726.5, NM_001440430.1); c.254+1G>T (NM_001440432.1); c.248+1G>T (NM_001440433.1).
Identifiers: ClinVar variation 2875304 (VCV002875304.3), dbSNP rs2546534919, ClinGen allele CA358607104.